The following is an entry in ClinVar:

ClinVar aggregate classification (germline): Uncertain significance. Review status: criteria provided, multiple submitters, no conflicts (2 of 4 stars). 3 submissions from 3 submitters: Uncertain significance (3). Last evaluated 2026-02-01.

Conditions:
Inborn genetic diseases. Identifiers: MedGen C0950123, MeSH D030342.

Allele frequency attached by ClinVar (database versions not stated): gnomAD exomes below 0.00001.
gnomAD v4.1: 6 of 1,606,158 alleles (0.00037%); highest among the groups gnomAD compares: Middle Eastern, 0.05%; no homozygotes.

Submissions (3):

CeGaT Center for Human Genetics Tuebingen
Classification: Uncertain significance. Last evaluated: 2026-02-01. Review status: criteria provided, single submitter. Criteria: CeGaT Center For Human Genetics Tuebingen Variant Classification Criteria Version 2. Collection method: clinical testing. Allele origin: germline. Affected: yes. Observed: 1 variant allele.
Comment: TBCK: PM2, BP4

Ambry Genetics
Classification: Uncertain significance for Inborn genetic diseases. Last evaluated: 2021-07-09. Review status: criteria provided, single submitter. Criteria: Ambry Variant Classification Scheme 2023. Collection method: clinical testing. Allele origin: germline.

Blueprint Genetics
Classification: Uncertain significance. Last evaluated: 2019-10-16. Review status: criteria provided, single submitter. Criteria: ACMG Guidelines, 2015. Collection method: clinical testing. Allele origin: germline.

NM_001163435.3(TBCK):c.717A>G (p.Ile239Met)

Gene: TBCK (TBC1 domain containing kinase; minus strand). Cytogenetic location: 4q24.
Variant type: single nucleotide variant.
Coding change: c.717A>G on transcript NM_001163435.3 (MANE Select); coding-DNA position 717, A replaced by G.
Protein change: p.Ile239Met; replaces isoleucine 239 with methionine.
Molecular consequence: missense variant.
Genome position (GRCh38, 1-based): chr4:106,248,924, T>C on the plus strand (A>G on the coding strand, the complement: TBCK is on the minus strand). VCF-style: chr4-106248924-T-C. GRCh37 (hg19) VCF-style: chr4-107170081-T-C.
Other names: c.717A>G, p.Ile239Met (NM_001163436.4); c.600A>G, p.Ile200Met (NM_001163437.3); c.201A>G, p.Ile67Met (NM_001290768.2); c.528A>G, p.Ile176Met (NM_033115.5); short protein forms I239M, I176M, I200M, I67M.
Identifiers: ClinVar variation 3174796 (VCV003174796.6), dbSNP rs1231043420, ClinGen allele CA357825077.